The following is an entry in ClinVar:

ClinVar aggregate classification (germline): Uncertain significance (1 of 4 stars; one submission).

Submission:

Labcorp Genetics (formerly Invitae), Labcorp
Classification: Uncertain significance. Last evaluated: 2024-10-02. Review status: criteria provided, single submitter. Criteria: Invitae Variant Classification Sherloc (09022015). Collection method: clinical testing. Allele origin: germline.
Comment: This sequence change replaces tryptophan, which is neutral and slightly polar, with cysteine, which is neutral and slightly polar, at codon 28 of the RPL15 protein (p.Trp28Cys). This variant is not present in population databases (gnomAD no frequency). This variant has not been reported in the literature in individuals affected with RPL15-related conditions. An algorithm developed to predict the effect of missense changes on protein structure and function (PolyPhen-2) suggests that this variant is likely to be disruptive. In summary, the available evidence is currently insufficient to determine the role of this variant in disease. Therefore, it has been classified as a Variant of Uncertain Significance.

NM_002948.5(RPL15):c.84G>T (p.Trp28Cys)

Genes: NKIRAS1 (NFKB inhibitor interacting Ras like 1; minus strand), RPL15 (ribosomal protein L15; plus strand). Cytogenetic location: 3p24.2.
Variant type: single nucleotide variant.
Coding change: c.84G>T on transcript NM_002948.5 (MANE Select); coding-DNA position 84, G replaced by T.
Protein change: p.Trp28Cys; replaces tryptophan 28 with cysteine.
Molecular consequence: missense variant. On other transcripts: intron variant (1).
Genome position (GRCh38, 1-based): chr3:23,917,943, G>T. VCF-style: chr3-23917943-G-T. GRCh37 (hg19) VCF-style: chr3-23959434-G-T.
Other names: c.84G>T, p.Trp28Cys (NM_001253379.2, NM_001253380.2, NM_001253382.2 and 2 more transcripts); c.-139-6493C>A (NM_001377380.1); short protein forms W28C.
Identifiers: ClinVar variation 3624365 (VCV003624365.2).